The following is an entry in ClinVar:

ClinVar aggregate classification (germline): Uncertain significance (1 of 4 stars; one submission).

Conditions:
RFT1-congenital disorder of glycosylation (CDG1N). Also called: RFT1-CDG; CDG In; Congenital disorder of glycosylation type In. Identifiers: Orphanet 244310, MedGen C2677590, MONDO:0012783, OMIM 612015.

Allele frequency attached by ClinVar (database versions not stated): gnomAD 0.00001; TOPMed 0.00001.
gnomAD v4.1: 2 of 1,612,368 alleles (0.00012%); highest among the groups gnomAD compares: African/African-American, 0.0013%; no homozygotes.

Submission:

Labcorp Genetics (formerly Invitae), Labcorp
Classification: Uncertain significance for RFT1-congenital disorder of glycosylation. Last evaluated: 2023-12-11. Review status: criteria provided, single submitter. Criteria: Invitae Variant Classification Sherloc (09022015). Collection method: clinical testing. Allele origin: germline.
Comment: This sequence change replaces threonine, which is neutral and polar, with isoleucine, which is neutral and non-polar, at codon 222 of the RFT1 protein (p.Thr222Ile). This variant is present in population databases (no rsID available, gnomAD 0.01%). This variant has not been reported in the literature in individuals affected with RFT1-related conditions. ClinVar contains an entry for this variant (Variation ID: 1522467). Advanced modeling of protein sequence and biophysical properties (such as structural, functional, and spatial information, amino acid conservation, physicochemical variation, residue mobility, and thermodynamic stability) performed at Invitae indicates that this missense variant is not expected to disrupt RFT1 protein function with a negative predictive value of 80%. In summary, the available evidence is currently insufficient to determine the role of this variant in disease. Therefore, it has been classified as a Variant of Uncertain Significance.

NM_052859.4(RFT1):c.665C>T (p.Thr222Ile)

Gene: RFT1 (RFT1 glycolipid translocator homolog; minus strand). Cytogenetic location: 3p21.1.
Variant type: single nucleotide variant.
Coding change: c.665C>T on transcript NM_052859.4 (MANE Select); coding-DNA position 665, C replaced by T.
Protein change: p.Thr222Ile; replaces threonine 222 with isoleucine.
Molecular consequence: missense variant.
Genome position (GRCh38, 1-based): chr3:53,119,915, G>A on the plus strand (C>T on the coding strand, the complement: RFT1 is on the minus strand). VCF-style: chr3-53119915-G-A. GRCh37 (hg19) VCF-style: chr3-53153931-G-A.
Other names: short protein forms T222I.
Identifiers: ClinVar variation 1522467 (VCV001522467.7), dbSNP rs1323618296, ClinGen allele CA353220319.